The following is an entry in ClinVar:

NM_001165963.4(SCN1A):c.573C>G (p.Asn191Lys)

Gene: SCN1A (sodium voltage-gated channel alpha subunit 1; minus strand). Cytogenetic location: 2q24.3.
Variant type: single nucleotide variant.
Coding change: c.573C>G on transcript NM_001165963.4 (MANE Select); coding-DNA position 573, C replaced by G.
Protein change: p.Asn191Lys; replaces asparagine 191 with lysine.
Molecular consequence: missense variant. On other transcripts: 5 prime UTR variant (1), non-coding transcript variant (1).
Genome position (GRCh38, 1-based): chr2:166,054,667, G>C on the plus strand (C>G on the coding strand, the complement: SCN1A is on the minus strand). VCF-style: chr2-166054667-G-C. GRCh37 (hg19) VCF-style: chr2-166911177-G-C.
Other names: c.573C>G, p.Asn191Lys (NM_001165964.3, NM_001202435.3, NM_001353948.2 and 10 more transcripts); c.-1853C>G (NM_001353961.2); short protein forms N191K.
Identifiers: ClinVar variation 2203204 (VCV002203204.4), dbSNP rs2468246502, ClinGen allele CA349075360.

ClinVar aggregate classification (germline): Pathogenic (1 of 4 stars; one submission).

Conditions:
Early-infantile DEE. Also called: Early infantile epileptic encephalopathy with suppression bursts; Early infantile epileptic encephalopathy; Ohtahara syndrome. Identifiers: Orphanet 1934, MedGen C0393706, MONDO:0800491.

Submission:

Labcorp Genetics (formerly Invitae), Labcorp
Classification: Pathogenic for Early-infantile DEE. Last evaluated: 2024-10-22. Review status: criteria provided, single submitter. Criteria: Invitae Variant Classification Sherloc (09022015). Collection method: clinical testing. Allele origin: germline.
Comment: This sequence change replaces asparagine, which is neutral and polar, with lysine, which is basic and polar, at codon 191 of the SCN1A protein (p.Asn191Lys). This variant is not present in population databases (gnomAD no frequency). This missense change has been observed in individual(s) with Dravet syndrome (PMID: 18930999). ClinVar contains an entry for this variant (Variation ID: 2203204). Invitae Evidence Modeling of protein sequence and biophysical properties (such as structural, functional, and spatial information, amino acid conservation, physicochemical variation, residue mobility, and thermodynamic stability) indicates that this missense variant is expected to disrupt SCN1A protein function with a positive predictive value of 95%. This variant disrupts the p.Asn191Lys amino acid residue in SCN1A. Other variant(s) that disrupt this residue have been observed in individuals with SCN1A-related conditions (PMID: 20522430, 28012175), which suggests that this may be a clinically significant amino acid residue. For these reasons, this variant has been classified as Pathogenic.

Literature cited by the submitters: PubMed 18930999; PubMed 20522430; PubMed 28012175.